The following is an entry in ClinVar:

NM_001142864.4(PIEZO1):c.7195G>A (p.Gly2399Ser)

Gene: PIEZO1 (piezo type mechanosensitive ion channel component 1 (Er blood group); minus strand). Cytogenetic location: 16q24.3.
Variant type: single nucleotide variant.
Coding change: c.7195G>A on transcript NM_001142864.4 (MANE Select); coding-DNA position 7195, G replaced by A.
Protein change: p.Gly2399Ser; replaces glycine 2399 with serine.
Molecular consequence: missense variant.
Genome position (GRCh38, 1-based): chr16:88,716,054, C>T on the plus strand (G>A on the coding strand, the complement: PIEZO1 is on the minus strand). VCF-style: chr16-88716054-C-T. GRCh37 (hg19) VCF-style: chr16-88782462-C-T.
Other names: p.Gly2399Ser; short protein forms G2399S.
Identifiers: ClinVar variation 1327356 (VCV001327356.9), dbSNP rs545171267, ClinGen allele CA8231382.
Genomic context (GRCh38, chr16:88,716,054, plus strand): 5'-GCAGCAGGTTGCAGTCGGTCCGGCACTCCTGCAGCTCGATGACCCACCATTCGAGGAAGC[C>T]GGTGGCCCCCGCACCCTGCTCCCTCCGCAGCTGGATACGCACGCCGAGGTAGTCGGCCTC-3'
Protein context (NP_001136336.2, residues 2389-2409): LRREQGAGAT[Gly2399Ser]FLEWWVIELQ

ClinVar aggregate classification (germline): Conflicting classifications of pathogenicity. Review status: criteria provided, conflicting classifications (1 of 4 stars). 5 submissions from 5 submitters: Uncertain significance (4); Benign (1). Last evaluated 2025-11-23.

Conditions:
Inborn genetic diseases. Identifiers: MedGen C0950123, MeSH D030342.

Allele frequency attached by ClinVar (database versions not stated): gnomAD exomes 0.00025; ExAC 0.00015; 1000 Genomes Project 0.00040; gnomAD 0.00009 and 0.00010; TOPMed 0.00013; 1000 Genomes Project 30x 0.00031.
gnomAD v4.1: 599 of 1,550,238 alleles (0.039%); highest among the groups gnomAD compares: South Asian, 0.09%; 1 homozygote.

Submissions (5):

Labcorp Genetics (formerly Invitae), Labcorp
Classification: Benign. Last evaluated: 2025-11-23. Review status: criteria provided, single submitter. Criteria: Invitae Variant Classification Sherloc (09022015). Collection method: clinical testing. Allele origin: germline.

Mayo Clinic Laboratories, Mayo Clinic
Classification: Uncertain significance. Last evaluated: 2023-12-08. Review status: criteria provided, single submitter. Criteria: ACMG Guidelines, 2015. Collection method: clinical testing. Allele origin: germline. Observed: 1 variant allele.
Comment: BP4

GeneDx
Classification: Uncertain significance. Last evaluated: 2021-11-22. Review status: criteria provided, single submitter. Criteria: GeneDx Variant Classification Process June 2021. Collection method: clinical testing. Allele origin: germline. Affected: yes.
Comment: In silico analysis supports that this missense variant does not alter protein structure/function; Has not been previously published as pathogenic or benign to our knowledge

Ambry Genetics
Classification: Uncertain significance for Inborn genetic diseases. Last evaluated: 2021-07-20. Review status: criteria provided, single submitter. Criteria: Ambry Variant Classification Scheme 2023. Collection method: clinical testing. Allele origin: germline.

Breakthrough Genomics
Classification: Uncertain significance. Review status: criteria provided, single submitter. Criteria: ACMG Guidelines, 2015. Collection method: not provided. Allele origin: germline. Inheritance: Autosomal recessive inheritance. Affected: yes.